The following is an entry in ClinVar:

ClinVar aggregate classification (germline): Likely benign (1 of 4 stars; one submission).

Allele frequency attached by ClinVar (database versions not stated): 1000 Genomes Project 0.00020; gnomAD 0.00103; ExAC 0.01742.

Submission:

CeGaT Center for Human Genetics Tuebingen
Classification: Likely benign. Last evaluated: 2022-10-01. Review status: criteria provided, single submitter. Criteria: CeGaT Center For Human Genetics Tuebingen Variant Classification Criteria Version 2. Collection method: clinical testing. Allele origin: germline. Affected: yes. Observed: 2 variant alleles.
Comment: MUC8: BP4, BP7

NC_000012.12:g.132473353G>A

Gene: MUC8 (mucin 8; minus strand). Cytogenetic location: 12q24.33.
Variant type: single nucleotide variant.
Genome position: GRCh38 VCF-style: chr12-132473353-G-A. GRCh37 (hg19) VCF-style: chr12-133049939-G-A.
Identifiers: ClinVar variation 2643642 (VCV002643642.24), dbSNP rs577143457, ClinGen allele CA6890616.